The following is an entry in ClinVar:

NM_001201427.2(DAAM2):c.2983-8G>C

Gene: DAAM2 (dishevelled associated activator of morphogenesis 2; plus strand). Cytogenetic location: 6p21.2.
Variant type: single nucleotide variant.
Coding change: c.2983-8G>C on transcript NM_001201427.2 (MANE Select); 8 bases into the intron before coding-DNA position 2983, G replaced by C.
Molecular consequence: intron variant.
Genome position (GRCh38, 1-based): chr6:39,901,805, G>C. VCF-style: chr6-39901805-G-C. GRCh37 (hg19) VCF-style: chr6-39869581-G-C.
Other names: c.2980-8G>C (NM_015345.4).
Identifiers: ClinVar variation 3033043 (VCV003033043.2), dbSNP rs138611904, ClinGen allele CA3795506.
Genomic context (GRCh38, chr6:39,901,805, plus strand): 5'-TTGGGGGGCTGCCCTGGCCTCAGCGCCTCTCCCTGAGAGGGTTCCTATCTTTGGCCCCCC[G>C]CCCGCAGCTGAAGGAGCAGAGGGAACGTGAGCGGTGGCAGCGGCAGCGGAAGGTCCTGGC-3'

ClinVar aggregate classification (germline): Likely benign (0 of 4 stars; one submission).

Conditions:
DAAM2-related disorder. Also called: DAAM2-related condition.

Allele frequency attached by ClinVar (database versions not stated): 1000 Genomes Project 30x 0.00016.
gnomAD v4.1: 31 of 1,520,642 alleles (0.002%); highest among the groups gnomAD compares: African/African-American, 0.033%; no homozygotes.

Submission:

PreventionGenetics, part of Exact Sciences
Classification: Likely benign for DAAM2-related condition. Last evaluated: 2022-04-02. Review status: no assertion criteria provided. Collection method: clinical testing. Allele origin: germline.
Comment: This variant is classified as likely benign based on ACMG/AMP sequence variant interpretation guidelines (Richards et al. 2015 PMID: 25741868, with internal and published modifications).